The following is an entry in ClinVar:

ClinVar aggregate classification (germline): Benign. Review status: criteria provided, multiple submitters, no conflicts (2 of 4 stars). 2 submissions from 2 submitters: Benign (2). Last evaluated 2018-06-14.

Allele frequency attached by ClinVar (database versions not stated): gnomAD exomes 0.00746; 1000 Genomes Project 30x 0.20191; TOPMed 0.17293; 1000 Genomes Project 0.20447.

Submissions (2):

GeneDx
Classification: Benign. Last evaluated: 2018-06-14. Review status: criteria provided, single submitter. Criteria: GeneDx Variant Classification (06012015). Collection method: clinical testing. Allele origin: germline. Affected: yes.
Comment: This variant is considered likely benign or benign based on one or more of the following criteria: it is a conservative change, it occurs at a poorly conserved position in the protein, it is predicted to be benign by multiple in silico algorithms, and/or has population frequency not consistent with disease.

Breakthrough Genomics
Classification: Benign. Review status: criteria provided, single submitter. Criteria: ACMG Guidelines, 2015. Collection method: not provided. Allele origin: germline. Inheritance: Autosomal recessive inheritance. Affected: yes.

NM_025215.5(PUS1):c.-558C>G

Gene: PUS1 (pseudouridine synthase 1; plus strand). Cytogenetic location: 12q24.33.
Variant type: single nucleotide variant.
Coding change: c.-558C>G on transcript NM_025215.5; 558 bases upstream of the start codon, C replaced by G.
Genome position (GRCh38, 1-based): chr12:131,929,165, C>G. VCF-style: chr12-131929165-C-G. GRCh37 (hg19) VCF-style: chr12-132413710-C-G.
Identifiers: ClinVar variation 676183 (VCV000676183.4), dbSNP rs12369083, ClinGen allele CA246181267.